The following is an entry in ClinVar:

NM_004218.4(RAB11B):c.40+6G>T

Genes: RAB11B (RAB11B, member RAS oncogene family; plus strand), RAB11B-AS1 (RAB11B antisense RNA 1; minus strand). Cytogenetic location: 19p13.2.
Variant type: single nucleotide variant.
Coding change: c.40+6G>T on transcript NM_004218.4 (MANE Select); 6 bases into the intron after coding-DNA position 40, G replaced by T.
Molecular consequence: intron variant. On other transcripts: non-coding transcript variant (1).
Genome position (GRCh38, 1-based): chr19:8,390,462, G>T. VCF-style: chr19-8390462-G-T. GRCh37 (hg19) VCF-style: chr19-8455346-G-T.
Identifiers: ClinVar variation 781382 (VCV000781382.16), dbSNP rs10426087, ClinGen allele CA9156261.

ClinVar aggregate classification (germline): Benign. Review status: criteria provided, multiple submitters, no conflicts (2 of 4 stars). 4 submissions from 4 submitters: Benign (3). 1 of the submissions does not count toward it. Last evaluated 2026-02-03.

Conditions:
RAB11B-related disorder. Also called: RAB11B-related condition.

Allele frequency attached by ClinVar (database versions not stated): gnomAD exomes 0.00633; ExAC 0.00891; gnomAD 0.02890 and 0.03103; ESP Exome Variant Server 0.03203; 1000 Genomes Project 0.03255; TOPMed 0.03261; 1000 Genomes Project 30x 0.03498.
gnomAD v4.1: 7,930 of 1,506,942 alleles (0.53%); highest among the groups gnomAD compares: African/African-American, 10%; 381 homozygotes.

Submissions (4):

Labcorp Genetics (formerly Invitae), Labcorp
Classification: Benign. Last evaluated: 2026-02-03. Review status: criteria provided, single submitter. Criteria: Invitae Variant Classification Sherloc (09022015). Collection method: clinical testing. Allele origin: germline.

GeneDx
Classification: Benign. Last evaluated: 2021-05-04. Review status: criteria provided, single submitter. Criteria: GeneDx Variant Classification Process June 2021. Collection method: clinical testing. Allele origin: germline. Affected: yes.

Breakthrough Genomics
Classification: Benign. Review status: criteria provided, single submitter. Criteria: ACMG Guidelines, 2015. Collection method: not provided. Allele origin: germline. Inheritance: Autosomal dominant inheritance. Affected: yes.

PreventionGenetics, part of Exact Sciences
Classification: Benign for RAB11B-related condition. Last evaluated: 2019-10-22. Review status: no assertion criteria provided. Collection method: clinical testing. Allele origin: germline. Not counted in ClinVar's aggregate classification.
Comment: This variant is classified as benign based on ACMG/AMP sequence variant interpretation guidelines (Richards et al. 2015 PMID: 25741868, with internal and published modifications).